The following is an entry in ClinVar:

NM_014244.5(ADAMTS2):c.2261A>G (p.Gln754Arg)

Gene: ADAMTS2 (ADAM metallopeptidase with thrombospondin type 1 motif 2; minus strand). Cytogenetic location: 5q35.3.
Variant type: single nucleotide variant.
Coding change: c.2261A>G on transcript NM_014244.5 (MANE Select); coding-DNA position 2261, A replaced by G.
Protein change: p.Gln754Arg; replaces glutamine 754 with arginine.
Molecular consequence: missense variant.
Genome position (GRCh38, 1-based): chr5:179,132,259, T>C on the plus strand (A>G on the coding strand, the complement: ADAMTS2 is on the minus strand). VCF-style: chr5-179132259-T-C. GRCh37 (hg19) VCF-style: chr5-178559260-T-C.
Other names: short protein forms Q754R.
Identifiers: ClinVar variation 660799 (VCV000660799.8), dbSNP rs779256197, ClinGen allele CA3595618.
Genomic context (GRCh38, chr5:179,132,259, plus strand): 5'-GGACGTCAAGTTGTCCGGCTCTGAGACTCACCCAGATGGTGGCTGGTGGCGTCTACCTCC[T>C]GAATGAGCAGGTGTCTGGCTCCTGCAGGGATCTCAAACATCTTGATGTAACCTTTTTTTG-3'
Protein context (NP_055059.2, residues 744-764): IPAGARHLLI[Gln754Arg]EVDATSHHLA

ClinVar aggregate classification (germline): Uncertain significance. Review status: criteria provided, multiple submitters, no conflicts (2 of 4 stars). 4 submissions from 4 submitters: Uncertain significance (3). 1 of the submissions does not count toward it. Last evaluated 2026-03-04.

Conditions:
Ehlers-Danlos syndrome, dermatosparaxis type. Also called: Ehlers-Danlos syndrome, type VII, autosomal recessive; EDS VIIC; Dermatosparaxis. Identifiers: Orphanet 1901, MedGen C2700425, MONDO:0009161, OMIM 225410.
Inborn genetic diseases. Identifiers: MedGen C0950123, MeSH D030342.

Allele frequency attached by ClinVar (database versions not stated): TOPMed 0.00001; ExAC 0.00002; gnomAD exomes 0.00002 and 0.00001; gnomAD 0.00001.
gnomAD v4.1: 11 of 1,614,080 alleles (0.00068%); highest among the groups gnomAD compares: Non-Finnish European, 0.00093%; no homozygotes.

Submissions (4):

Myriad Genetics, Inc.
Classification: Uncertain significance for Ehlers-Danlos syndrome, dermatosparaxis type. Last evaluated: 2026-03-04. Review status: criteria provided, single submitter. Criteria: Myriad Autosomal Dominant, Autosomal Recessive and X-Linked Classification Criteria (2023). Collection method: clinical testing. Allele origin: unknown.
Comment: NM_014244.4(ADAMTS2):c.2261A>G(Q754R) is a missense variant classified as a variant of uncertain significance in the context of Ehlers-Danlos syndrome, ADAMTS2-related. Q754R has not been observed in cases with relevant disease. Relevant functional assessments of this variant are not available in the literature. Q754R has been observed in referenced population frequency databases. In summary, there is insufficient evidence to classify NM_014244.4(ADAMTS2):c.2261A>G(Q754R) as pathogenic or benign. Please note: this variant was assessed in the context of healthy population screening.

Ambry Genetics
Classification: Uncertain significance for Inborn genetic diseases. Last evaluated: 2024-01-31. Review status: criteria provided, single submitter. Criteria: Ambry Variant Classification Scheme 2023. Collection method: clinical testing. Allele origin: germline.

Labcorp Genetics (formerly Invitae), Labcorp
Classification: Uncertain significance for Ehlers-Danlos syndrome, dermatosparaxis type. Last evaluated: 2021-09-01. Review status: criteria provided, single submitter. Criteria: Invitae Variant Classification Sherloc (09022015). Collection method: clinical testing. Allele origin: germline.
Comment: This sequence change replaces glutamine with arginine at codon 754 of the ADAMTS2 protein (p.Gln754Arg). The glutamine residue is highly conserved and there is a small physicochemical difference between glutamine and arginine. This variant is present in population databases (rs779256197, ExAC 0.003%). This variant has not been reported in the literature in individuals affected with ADAMTS2-related conditions. Algorithms developed to predict the effect of missense changes on protein structure and function (SIFT, PolyPhen-2, Align-GVGD) all suggest that this variant is likely to be disruptive. In summary, the available evidence is currently insufficient to determine the role of this variant in disease. Therefore, it has been classified as a Variant of Uncertain Significance.

Natera, Inc.
Classification: Uncertain significance for Ehlers-Danlos syndrome type VIIC. Last evaluated: 2020-07-30. Review status: no assertion criteria provided. Collection method: clinical testing. Allele origin: germline. Not counted in ClinVar's aggregate classification.